The following is an entry in ClinVar:

ClinVar aggregate classification (germline): Uncertain significance. Review status: criteria provided, multiple submitters, no conflicts (2 of 4 stars). 6 submissions from 6 submitters: Uncertain significance (6). Last evaluated 2025-07-25.

Conditions:
BBS9-related disorder. Also called: BBS9-related condition.
Inborn genetic diseases. Identifiers: MedGen C0950123, MeSH D030342.
Bardet-Biedl syndrome (BBS). Identifiers: Orphanet 110, MedGen C0752166, MONDO:0015229.
Bardet-Biedl syndrome 9 (BBS9). Identifiers: Orphanet 110, MedGen C1859567, MONDO:0014437, OMIM 615986.

Allele frequency attached by ClinVar (database versions not stated): ExAC 0.00002; gnomAD exomes 0.00002; TOPMed 0.00003; gnomAD 0.00001.
gnomAD v4.1: 33 of 1,611,154 alleles (0.002%); highest among the groups gnomAD compares: Middle Eastern, 0.068%; no homozygotes.

Submissions (6):

PreventionGenetics, part of Exact Sciences
Classification: Uncertain significance for BBS9-related condition. Last evaluated: 2025-07-25. Review status: criteria provided, single submitter. Criteria: ACMG Guidelines, 2015. Collection method: clinical testing. Allele origin: germline.
Comment: The BBS9 c.1836A>G variant is predicted to result in the amino acid substitution p.Ile612Met. To our knowledge, this variant has not been reported in the literature. This variant is reported in 0.011% of alleles in individuals of Latino descent in gnomAD. At this time, the clinical significance of this variant is uncertain due to the absence of conclusive functional and genetic evidence.

Labcorp Genetics (formerly Invitae), Labcorp
Classification: Uncertain significance for Bardet-Biedl syndrome. Last evaluated: 2025-01-13. Review status: criteria provided, single submitter. Criteria: Invitae Variant Classification Sherloc (09022015). Collection method: clinical testing. Allele origin: germline.
Comment: This sequence change replaces isoleucine, which is neutral and non-polar, with methionine, which is neutral and non-polar, at codon 612 of the BBS9 protein (p.Ile612Met). This variant is present in population databases (rs752845007, gnomAD 0.01%). This variant has not been reported in the literature in individuals affected with BBS9-related conditions. ClinVar contains an entry for this variant (Variation ID: 968232). Invitae Evidence Modeling of protein sequence and biophysical properties (such as structural, functional, and spatial information, amino acid conservation, physicochemical variation, residue mobility, and thermodynamic stability) indicates that this missense variant is not expected to disrupt BBS9 protein function with a negative predictive value of 80%. In summary, the available evidence is currently insufficient to determine the role of this variant in disease. Therefore, it has been classified as a Variant of Uncertain Significance.

Fulgent Genetics
Classification: Uncertain significance for Bardet-Biedl syndrome 9. Last evaluated: 2024-02-23. Review status: criteria provided, single submitter. Criteria: ACMG Guidelines, 2015. Collection method: clinical testing. Allele origin: germline.

Blueprint Genetics
Classification: Uncertain significance. Last evaluated: 2024-02-20. Review status: criteria provided, single submitter. Criteria: ACMG Guidelines, 2015. Collection method: clinical testing. Allele origin: germline.

GeneDx
Classification: Uncertain significance. Last evaluated: 2023-05-04. Review status: criteria provided, single submitter. Criteria: GeneDx Variant Classification Process June 2021. Collection method: clinical testing. Allele origin: germline. Affected: yes.
Comment: In silico analysis supports that this missense variant does not alter protein structure/function; Has not been previously published as pathogenic or benign to our knowledge

Ambry Genetics
Classification: Uncertain significance for Inborn genetic diseases. Last evaluated: 2023-03-01. Review status: criteria provided, single submitter. Criteria: Ambry Variant Classification Scheme 2023. Collection method: clinical testing. Allele origin: germline.

NM_198428.3(BBS9):c.1836A>G (p.Ile612Met)

Gene: BBS9 (Bardet-Biedl syndrome 9; plus strand). Cytogenetic location: 7p14.3.
Variant type: single nucleotide variant.
Coding change: c.1836A>G on transcript NM_198428.3 (MANE Select); coding-DNA position 1836, A replaced by G.
Protein change: p.Ile612Met; replaces isoleucine 612 with methionine.
Molecular consequence: missense variant. On other transcripts: non-coding transcript variant (3).
Genome position (GRCh38, 1-based): chr7:33,383,712, A>G. VCF-style: chr7-33383712-A-G. GRCh37 (hg19) VCF-style: chr7-33423324-A-G.
Other names: c.1731A>G, p.Ile577Met (NM_001033604.2); c.1821A>G, p.Ile607Met (NM_001033605.2); c.1836A>G, p.Ile612Met (NM_001348036.1, NM_001348041.4, NM_001348043.3 and 1 more transcripts); c.1470A>G, p.Ile490Met (NM_001348037.3, NM_001348045.3, NM_001348046.3); c.1563A>G, p.Ile521Met (NM_001348038.3); c.1458A>G, p.Ile486Met (NM_001348039.3); c.1716A>G, p.Ile572Met (NM_001348040.3, NM_014451.4); c.1701A>G, p.Ile567Met (NM_001348042.3); and 1 more; short protein forms I490M, I567M, I607M, I577M, I612M, I572M, I455M, I486M.
Identifiers: ClinVar variation 968232 (VCV000968232.13), dbSNP rs752845007, ClinGen allele CA4214527.